The following is an entry in ClinVar:

ClinVar aggregate classification (germline): Pathogenic (1 of 4 stars; one submission).

Conditions:
Usher syndrome. Also called: Usher Syndromes; Usher's syndrome. Identifiers: Orphanet 886, MedGen CN469326, MeSH D052245, MONDO:0019501. Disease mechanism: loss of function.

Submission:

Women's Health and Genetics/Laboratory Corporation of America, LabCorp
Classification: Pathogenic for Retinitis pigmentosa-deafness syndrome. Last evaluated: 2025-05-23. Review status: criteria provided, single submitter. Criteria: LabCorp Variant Classification Summary - May 2015. Collection method: clinical testing. Allele origin: germline.
Comment: Variant summary: ADGRV1 c.8785_8788delins12 (p.Thr2930ProfsX15) results in a premature termination codon, predicted to cause a truncation of the encoded protein or absence of the protein due to nonsense mediated decay, which are commonly known mechanisms for disease. The variant was absent in 280262 control chromosomes. To our knowledge, no occurrence of c.8785_8788delins12 in individuals affected with Usher Syndrome and no experimental evidence demonstrating its impact on protein function have been reported. No submitters have cited clinical-significance assessments for this variant to ClinVar. Based on the evidence outlined above, the variant was classified as pathogenic.

NM_032119.4(ADGRV1):c.8785_8788delinsTTACCATGTAAT (p.Thr2930fs)

Gene: ADGRV1 (adhesion G protein-coupled receptor V1; plus strand). Cytogenetic location: 5q14.3.
Variant type: Indel.
Coding change: c.8785_8788delinsTTACCATGTAAT on transcript NM_032119.4 (MANE Select); coding-DNA positions 8785 to 8788, CTTA replaced by TTACCATGTAAT.
Protein change: p.Thr2930fs; shifts the reading frame from threonine 2930.
Molecular consequence: frameshift variant. On other transcripts: non-coding transcript variant (1).
Genome position (GRCh38, 1-based): chr5:90,708,870-90,708,873, CTTA replaced by TTACCATGTAAT. VCF-style: chr5-90708870-CTTA-TTACCATGTAAT. GRCh37 (hg19) VCF-style: chr5-90004687-CTTA-TTACCATGTAAT.
Other names: short protein forms T2930fs.
Identifiers: ClinVar variation 3902720 (VCV003902720.1).
Genomic context (GRCh38, chr5:90,708,870, plus strand): 5'-TTTCAGGATGATGTACCAGAGCTAGAAGAATATTTCCTGGTGAATTTAACTTACGTTGGA[CTTA>TTACCATGTAAT]CCATGGCTGCTTCAACTTCATTTCCTCCCAGACTAGGTATGAGGGGTTTCTTGTTTGTTT-3'